The following is an entry in ClinVar:

NM_015335.5(MED13L):c.6010A>G (p.Thr2004Ala)

Gene: MED13L (mediator complex subunit 13L; minus strand). Cytogenetic location: 12q24.21.
Variant type: single nucleotide variant.
Coding change: c.6010A>G on transcript NM_015335.5 (MANE Select); coding-DNA position 6010, A replaced by G.
Protein change: p.Thr2004Ala; replaces threonine 2004 with alanine.
Molecular consequence: missense variant.
Genome position (GRCh38, 1-based): chr12:115,970,651, T>C on the plus strand (A>G on the coding strand, the complement: MED13L is on the minus strand). VCF-style: chr12-115970651-T-C. GRCh37 (hg19) VCF-style: chr12-116408456-T-C.
Other names: short protein forms T2004A.
Identifiers: ClinVar variation 2582012 (VCV002582012.1), dbSNP rs2499969652, ClinGen allele CA386876199.
Genomic context (GRCh38, chr12:115,970,651, plus strand): 5'-CACCATTGTTGGGGCTAAACCCATCTTCATTGGGGTAGTTGGCTGGAGCCACCTGGATGG[T>C]TGATGATGTTGGGAACACCAAGATGTGTGTACAAGAAGCATCTTGAGGGGTGTTGAGCTG-3'
Protein context (NP_056150.1, residues 1994-2014): THILVFPTSS[Thr2004Ala]IQVAPANYPN

ClinVar aggregate classification (germline): Uncertain significance (1 of 4 stars; one submission).

Submission:

GeneDx
Classification: Uncertain significance. Last evaluated: 2023-03-29. Review status: criteria provided, single submitter. Criteria: GeneDx Variant Classification Process June 2021. Collection method: clinical testing. Allele origin: germline. Affected: yes.
Comment: Has not been previously published as pathogenic or benign to our knowledge; Not observed at significant frequency in large population cohorts (gnomAD); In silico analysis supports that this missense variant does not alter protein structure/function